The following is an entry in ClinVar:

ClinVar aggregate classification (germline): Uncertain significance (1 of 4 stars; one submission).

Submission:

Ambry Genetics
Classification: Uncertain significance. Last evaluated: 2024-06-22. Review status: criteria provided, single submitter. Criteria: Ambry Variant Classification Scheme 2023. Collection method: clinical testing. Allele origin: germline.
Comment: The p.E4122G variant (also known as c.12365A>G), located in coding exon 86 of the PRKDC gene, results from an A to G substitution at nucleotide position 12365. The glutamic acid at codon 4122 is replaced by glycine, an amino acid with similar properties. This amino acid position is conserved. Based on the available evidence, the clinical significance of this variant remains unclear.

NM_006904.7(PRKDC):c.12365A>G (p.Glu4122Gly)

Gene: PRKDC (protein kinase, DNA-activated, catalytic subunit; minus strand). Cytogenetic location: 8q11.21.
Variant type: single nucleotide variant.
Coding change: c.12365A>G on transcript NM_006904.7 (MANE Select); coding-DNA position 12365, A replaced by G.
Protein change: p.Glu4122Gly; replaces glutamic acid 4122 with glycine.
Molecular consequence: missense variant.
Genome position (GRCh38, 1-based): chr8:47,774,195, T>C on the plus strand (A>G on the coding strand, the complement: PRKDC is on the minus strand). VCF-style: chr8-47774195-T-C. GRCh37 (hg19) VCF-style: chr8-48686756-T-C.
Other names: c.12272A>G, p.Glu4091Gly (NM_001081640.2); short protein forms E4091G, E4122G.
Identifiers: ClinVar variation 3310192 (VCV003310192.1).